The following is an entry in ClinVar:

NM_206933.4(USH2A):c.3883C>T (p.Arg1295Ter)

Genes: USH2A (usherin; minus strand), USH2A-AS1 (USH2A antisense RNA 1; plus strand). Cytogenetic location: 1q41.
Variant type: single nucleotide variant.
Coding change: c.3883C>T on transcript NM_206933.4 (MANE Select); coding-DNA position 3883, C replaced by T.
Protein change: p.Arg1295Ter; replaces arginine 1295 with a stop codon.
Molecular consequence: nonsense.
Genome position (GRCh38, 1-based): chr1:216,198,513, G>A on the plus strand (C>T on the coding strand, the complement: USH2A is on the minus strand). VCF-style: chr1-216198513-G-A. GRCh37 (hg19) VCF-style: chr1-216371855-G-A.
Other names: c.3883C>T, p.Arg1295Ter (NM_007123.6); short protein forms R1295*.
Identifiers: ClinVar variation 556829 (VCV000556829.42), dbSNP rs764797292, ClinGen allele CA1395883.

ClinVar aggregate classification (germline): Pathogenic. Review status: criteria provided, multiple submitters, no conflicts (2 of 4 stars). 9 submissions from 8 submitters: Pathogenic (8). 1 of the submissions does not count toward it. Last evaluated 2025-09-24.

Conditions:
Usher syndrome. Also called: Usher Syndromes; Usher's syndrome. Identifiers: Orphanet 886, MedGen CN469326, MeSH D052245, MONDO:0019501. Disease mechanism: loss of function.
USH2A-related disorder. Also called: USH2A-related disorders; USH2A-related condition. Identifiers: MedGen CN239332.
Usher syndrome type 2A. Also called: RETINAL DISEASE IN USHER SYNDROME TYPE IIA, MODIFIER OF; USHER SYNDROME, TYPE IIA. Identifiers: Orphanet 231178, Orphanet 886, MedGen C1848634, MONDO:0010169, OMIM 276901.
Retinitis pigmentosa 39 (RP39). Identifiers: Orphanet 791, MedGen C3151138, MONDO:0013436, OMIM 613809.

Allele frequency attached by ClinVar (database versions not stated): gnomAD exomes 0.00001; ExAC 0.00002.
gnomAD v4.1: 9 of 1,613,920 alleles (0.00056%); highest among the groups gnomAD compares: South Asian, 0.0011%; no homozygotes.

Submissions (9):

Labcorp Genetics (formerly Invitae), Labcorp
Classification: Pathogenic. Last evaluated: 2025-09-24. Review status: criteria provided, single submitter. Criteria: Invitae Variant Classification Sherloc (09022015). Collection method: clinical testing. Allele origin: germline.
Comment: This sequence change creates a premature translational stop signal (p.Arg1295*) in the USH2A gene. It is expected to result in an absent or disrupted protein product. Loss-of-function variants in USH2A are known to be pathogenic (PMID: 10729113, 10909849, 20507924, 25649381). This variant is present in population databases (rs764797292, gnomAD 0.002%). This premature translational stop signal has been observed in individuals with Usher syndrome (PMID: 10909849, 22004887, 24160897). ClinVar contains an entry for this variant (Variation ID: 556829). Algorithms developed to predict the effect of sequence changes on RNA splicing suggest that this variant may disrupt the consensus splice site. For these reasons, this variant has been classified as Pathogenic.

Natera, Inc.
Classification: Pathogenic for Usher syndrome type 2A. Last evaluated: 2024-11-11. Review status: criteria provided, single submitter. Criteria: Natera Variant Classification Schema (03/2026). Collection method: clinical testing. Allele origin: germline.
Comment: The c.3883C>T variant in USH2A is a nonsense variant predicted to introduce a stop codon at amino acid 1295. This variant is expected to result in nonsense mediated decay, truncation, or a dysfunctional protein product. This variant is rare in the general population with a frequency below the threshold expected for the associated phenotype(s). This variant has been observed in one or more individuals affected with the associated recessive disease, as either homozygous or compound heterozygous with a second variant (PMID: 10909849). Given the available evidence, this variant is classified as Pathogenic.

Fulgent Genetics
Classification: Pathogenic for Usher syndrome type 2A; Retinitis pigmentosa 39. Last evaluated: 2024-05-22. Review status: criteria provided, single submitter. Criteria: ACMG Guidelines, 2015. Collection method: clinical testing. Allele origin: germline.

Baylor Genetics
Classification: Pathogenic for Retinitis pigmentosa 39. Last evaluated: 2023-11-14. Review status: criteria provided, single submitter. Criteria: ACMG Guidelines, 2015. Collection method: clinical testing. Allele origin: unknown.

Genome-Nilou Lab
Classification: Pathogenic for Retinitis pigmentosa 39. Last evaluated: 2023-11-04. Review status: criteria provided, single submitter. Criteria: ACMG Guidelines, 2015. Collection method: clinical testing. Allele origin: germline. Affected: no.

Genome-Nilou Lab
Classification: Pathogenic for Usher syndrome type 2A. Last evaluated: 2023-11-04. Review status: criteria provided, single submitter. Criteria: ACMG Guidelines, 2015. Collection method: clinical testing. Allele origin: germline. Affected: no.

SN ONGC Dept of Genetics and Molecular biology Vision Research Foundation
Classification: Pathogenic for Usher syndrome. Last evaluated: 2022-12-31. Review status: criteria provided, single submitter. Criteria: ACMG Guidelines, 2015. Collection method: research. Allele origin: unknown. Affected: yes. Observed: 2 variant alleles, 2 heterozygotes.

Blueprint Genetics
Classification: Pathogenic for USH2A-related disorders. Last evaluated: 2021-09-07. Review status: criteria provided, single submitter. Criteria: ACMG Guidelines, 2015. Collection method: clinical testing. Allele origin: germline. Affected: yes. Observed: 2 variant alleles.

Counsyl
Classification: Pathogenic for Usher syndrome type 2A; Retinitis pigmentosa 39. Last evaluated: 2018-02-20. Review status: no assertion criteria provided. Collection method: clinical testing. Allele origin: unknown. Not counted in ClinVar's aggregate classification.

Literature cited by the submitters: PubMed 10729113 (cited by Labcorp Genetics (formerly Invitae), Labcorp); PubMed 10909849 (cited by 3 submitters); PubMed 20507924 (cited by Labcorp Genetics (formerly Invitae), Labcorp); PubMed 25649381 (cited by Labcorp Genetics (formerly Invitae), Labcorp); PubMed 22004887 (cited by Labcorp Genetics (formerly Invitae), Labcorp and Counsyl); PubMed 24160897 (cited by Labcorp Genetics (formerly Invitae), Labcorp).